The following is an entry in ClinVar:

ClinVar aggregate classification (germline): Uncertain significance. Review status: criteria provided, multiple submitters, no conflicts (2 of 4 stars). 2 submissions from 2 submitters: Uncertain significance (2). Last evaluated 2025-09-14.

gnomAD v4.1: 35 of 1,614,124 alleles (0.0022%); highest among the groups gnomAD compares: Non-Finnish European, 0.0026%; no homozygotes.

Submissions (2):

Labcorp Genetics (formerly Invitae), Labcorp
Classification: Uncertain significance. Last evaluated: 2025-09-14. Review status: criteria provided, single submitter. Criteria: Invitae Variant Classification Sherloc (09022015). Collection method: clinical testing. Allele origin: germline.
Comment: This sequence change replaces aspartic acid, which is acidic and polar, with asparagine, which is neutral and polar, at codon 587 of the LRP5 protein (p.Asp587Asn). This variant is present in population databases (no rsID available, gnomAD 0.0009%). This missense change has been observed in individual(s) with autosomal dominant primary osteoporosis (PMID: 30283887). ClinVar contains an entry for this variant (Variation ID: 2066658). Invitae Evidence Modeling of protein sequence and biophysical properties (such as structural, functional, and spatial information, amino acid conservation, physicochemical variation, residue mobility, and thermodynamic stability) indicates that this missense variant is not expected to disrupt LRP5 protein function with a negative predictive value of 95%. In summary, the available evidence is currently insufficient to determine the role of this variant in disease. Therefore, it has been classified as a Variant of Uncertain Significance.

Women's Health and Genetics/Laboratory Corporation of America, LabCorp
Classification: Uncertain significance. Last evaluated: 2025-07-16. Review status: criteria provided, single submitter. Criteria: LabCorp Variant Classification Summary - May 2015. Collection method: clinical testing. Allele origin: germline.
Comment: Variant summary: LRP5 c.1759G>A (p.Asp587Asn) results in a conservative amino acid change in the encoded protein sequence. Algorithms developed to predict the effect of missense changes on protein structure and function are either unavailable or do not agree on the potential impact of this missense change. The variant allele was found at a frequency of 4e-06 in 251404 control chromosomes. The available data on variant occurrences in the general population are insufficient to allow any conclusion about variant significance. c.1759G>A has been observed in individual(s) affected with Autosomal Dominant Osteopetrosis (example: Collet_2017 ). These report(s) do not provide unequivocal conclusions about association of the variant with Autosomal Dominant Osteopetrosis 1. The following publications have been ascertained in the context of this evaluation (PMID: 33939331, 30283887). ClinVar contains an entry for this variant (Variation ID: 2066658). Based on the evidence outlined above, the variant was classified as uncertain significance.

Literature cited by the submitters: PubMed 30283887 (cited by Labcorp Genetics (formerly Invitae), Labcorp and Women's Health and Genetics/Laboratory Corporation of America, LabCorp); PubMed 33939331 (cited by Women's Health and Genetics/Laboratory Corporation of America, LabCorp).

NM_002335.4(LRP5):c.1759G>A (p.Asp587Asn)

Gene: LRP5 (LDL receptor related protein 5; plus strand). Cytogenetic location: 11q13.2.
Variant type: single nucleotide variant.
Coding change: c.1759G>A on transcript NM_002335.4 (MANE Select); coding-DNA position 1759, G replaced by A.
Protein change: p.Asp587Asn; replaces aspartic acid 587 with asparagine.
Molecular consequence: missense variant. On other transcripts: 5 prime UTR variant (1).
Genome position (GRCh38, 1-based): chr11:68,403,657, G>A. VCF-style: chr11-68403657-G-A. GRCh37 (hg19) VCF-style: chr11-68171125-G-A.
Other names: c.-179G>A (NM_001291902.2); short protein forms D587N.
Identifiers: ClinVar variation 2066658 (VCV002066658.5), dbSNP rs1219655418, ClinGen allele CA381614608.